The following is an entry in ClinVar:

ClinVar aggregate classification (germline): Uncertain significance (1 of 4 stars; one submission).

Conditions:
Hereditary cancer-predisposing syndrome. Also called: Neoplastic Syndromes, Hereditary; Tumor predisposition; Hereditary Cancer Syndrome; Hereditary neoplastic syndrome. Identifiers: Orphanet 140162, MedGen C0027672, MeSH D009386, MONDO:0015356.

Submission:

Ambry Genetics
Classification: Uncertain significance for Hereditary cancer-predisposing syndrome. Last evaluated: 2026-01-26. Review status: criteria provided, single submitter. Criteria: Ambry Variant Classification Scheme 2023. Collection method: clinical testing. Allele origin: germline.
Comment: The p.T785I variant (also known as c.2354C>T), located in coding exon 20 of the EGFR gene, results from a C to T substitution at nucleotide position 2354. The threonine at codon 785 is replaced by isoleucine, an amino acid with similar properties. This amino acid position is highly conserved in available vertebrate species. In addition, the in silico prediction for this alteration is inconclusive. Based on the available evidence, the clinical significance of this variant remains unclear.

NM_005228.5(EGFR):c.2354C>T (p.Thr785Ile)

Genes: EGFR (epidermal growth factor receptor; plus strand), EGFR-AS1 (EGFR antisense RNA 1; minus strand). Cytogenetic location: 7p11.2.
Variant type: single nucleotide variant.
Coding change: c.2354C>T on transcript NM_005228.5 (MANE Select); coding-DNA position 2354, C replaced by T.
Protein change: p.Thr785Ile; replaces threonine 785 with isoleucine.
Molecular consequence: missense variant. On other transcripts: non-coding transcript variant (1).
Genome position (GRCh38, 1-based): chr7:55,181,363, C>T. VCF-style: chr7-55181363-C-T. GRCh37 (hg19) VCF-style: chr7-55249056-C-T.
Other names: c.2219C>T, p.Thr740Ile (NM_001346897.2, NM_001346899.2); c.2354C>T, p.Thr785Ile (NM_001346898.2); c.2195C>T, p.Thr732Ile (NM_001346900.2); c.1553C>T, p.Thr518Ile (NM_001346941.2); short protein forms T785I, T518I, T732I, T740I.
Identifiers: ClinVar variation 4842902 (VCV004842902.1).